The following is an entry in ClinVar:

ClinVar aggregate classification (germline): Uncertain significance (1 of 4 stars; one submission).

Submission:

Labcorp Genetics (formerly Invitae), Labcorp
Classification: Uncertain significance. Last evaluated: 2021-10-11. Review status: criteria provided, single submitter. Criteria: Invitae Variant Classification Sherloc (09022015). Collection method: clinical testing. Allele origin: germline.
Comment: In summary, the available evidence is currently insufficient to determine the role of this variant in disease. Therefore, it has been classified as a Variant of Uncertain Significance. Algorithms developed to predict the effect of missense changes on protein structure and function output the following: SIFT: "Tolerated"; PolyPhen-2: "Benign"; Align-GVGD: "Class C0". The leucine amino acid residue is found in multiple mammalian species, suggesting that this missense change does not adversely affect protein function. These predictions have not been confirmed by published functional studies and their clinical significance is uncertain. This variant has not been reported in the literature in individuals with ASPM-related conditions. This variant is not present in population databases (ExAC no frequency). This sequence change replaces isoleucine with leucine at codon 2246 of the ASPM protein (p.Ile2246Leu). The isoleucine residue is moderately conserved and there is a small physicochemical difference between isoleucine and leucine.

NM_018136.5(ASPM):c.6736A>C (p.Ile2246Leu)

Gene: ASPM (assembly factor for spindle microtubules; minus strand). Cytogenetic location: 1q31.3.
Variant type: single nucleotide variant.
Coding change: c.6736A>C on transcript NM_018136.5 (MANE Select); coding-DNA position 6736, A replaced by C.
Protein change: p.Ile2246Leu; replaces isoleucine 2246 with leucine.
Molecular consequence: missense variant. On other transcripts: intron variant (1).
Genome position (GRCh38, 1-based): chr1:197,102,515, T>G on the plus strand (A>C on the coding strand, the complement: ASPM is on the minus strand). VCF-style: chr1-197102515-T-G. GRCh37 (hg19) VCF-style: chr1-197071645-T-G.
Other names: c.4066-6351A>C (NM_001206846.2); short protein forms I2246L.
Identifiers: ClinVar variation 1469733 (VCV001469733.6), dbSNP rs886045769, ClinGen allele CA344021634.